The following is an entry in ClinVar:

NM_021930.6(RINT1):c.721T>C (p.Trp241Arg)

Gene: RINT1 (RAD50 interactor 1; plus strand). Cytogenetic location: 7q22.3.
Variant type: single nucleotide variant.
Coding change: c.721T>C on transcript NM_021930.6 (MANE Select); coding-DNA position 721, T replaced by C.
Protein change: p.Trp241Arg; replaces tryptophan 241 with arginine.
Molecular consequence: missense variant. On other transcripts: 5 prime UTR variant (2), non-coding transcript variant (1), intron variant (1).
Genome position (GRCh38, 1-based): chr7:105,547,215, T>C. VCF-style: chr7-105547215-T-C. GRCh37 (hg19) VCF-style: chr7-105187662-T-C.
Other names: c.487T>C, p.Trp163Arg (NM_001346599.2); c.-299T>C (NM_001346600.2); c.-202T>C (NM_001346601.2); c.-27-2840T>C (NM_001346603.2); short protein forms W163R, W241R.
Identifiers: ClinVar variation 1757771 (VCV001757771.2), dbSNP rs1418488085, ClinGen allele CA368806245.

ClinVar aggregate classification (germline): Uncertain significance (1 of 4 stars; one submission).

Allele frequency attached by ClinVar (database versions not stated): gnomAD exomes below 0.00001; TOPMed 0.00001.
gnomAD v4.1: 1 of 1,614,182 alleles (0.000062%); highest among the groups gnomAD compares: African/African-American, 0.0013%; no homozygotes.

Submission:

Ambry Genetics
Classification: Uncertain significance. Last evaluated: 2022-07-19. Review status: criteria provided, single submitter. Criteria: Ambry Variant Classification Scheme 2023. Collection method: clinical testing. Allele origin: germline.
Comment: The p.W241R variant (also known as c.721T>C), located in coding exon 6 of the RINT1 gene, results from a T to C substitution at nucleotide position 721. The tryptophan at codon 241 is replaced by arginine, an amino acid with dissimilar properties. This amino acid position is conserved. In addition, this alteration is predicted to be deleterious by in silico analysis. Since supporting evidence is limited at this time, the clinical significance of this alteration remains unclear.